The following is an entry in ClinVar:

NM_001458.5(FLNC):c.5376G>A (p.Ala1792=)

Genes: FLNC-AS1 (FLNC antisense RNA 1; minus strand), FLNC (filamin C; plus strand). Cytogenetic location: 7q32.1.
Variant type: single nucleotide variant.
Coding change: c.5376G>A on transcript NM_001458.5 (MANE Select); coding-DNA position 5376, G replaced by A.
Protein change: p.Ala1792=; no amino-acid change (alanine 1792 retained).
Molecular consequence: synonymous variant.
Genome position (GRCh38, 1-based): chr7:128,850,461, G>A. VCF-style: chr7-128850461-G-A. GRCh37 (hg19) VCF-style: chr7-128490515-G-A.
Other names: c.5277G>A, p.Ala1759= (NM_001127487.2).
Identifiers: ClinVar variation 539373 (VCV000539373.30), dbSNP rs758648462, ClinGen allele CA4475668.
Genomic context (GRCh38, chr7:128,850,461, plus strand): 5'-GGTGCCTGTGGAGCCAATGGAGTCCATGCTGAGGCCCTTCAACCTGGTCATCCCCTTCGC[G>A]GTGCAGAAAGGGGAGCTCACAGGTACTGCCCTGTGGCTCCCAGGCATGAGGGCTGAGGGG-3'
Protein context (NP_001449.3, residues 1782-1802): LRPFNLVIPF[Ala1792=]VQKGELTGEV

ClinVar aggregate classification (germline): Benign/Likely benign. Review status: criteria provided, multiple submitters, no conflicts (2 of 4 stars). 3 submissions from 3 submitters: Benign (1); Likely benign (2). Last evaluated 2025-11-28.

Conditions:
Myofibrillar myopathy 5. Also called: Filaminopathy (type); FILAMINOPATHY, AUTOSOMAL DOMINANT. Identifiers: Orphanet 171445, MedGen C1836050, MONDO:0012289, OMIM 609524.
Distal myopathy with posterior leg and anterior hand involvement. Also called: WILLIAMS DISTAL MYOPATHY. Identifiers: Orphanet 63273, MedGen C3279722, MONDO:0013550, OMIM 614065.
Hypertrophic cardiomyopathy 26. Also called: Cardiomyopathy, familial hypertrophic, 26. Identifiers: Orphanet 75249, MedGen C4310749, MONDO:0014883, OMIM 617047.
Cardiovascular phenotype. Identifiers: MedGen CN230736.

Allele frequency attached by ClinVar (database versions not stated): gnomAD exomes below 0.00001 and 0.00001; ExAC 0.00001; gnomAD 0.00002; TOPMed 0.00002.
gnomAD v4.1: 8 of 1,613,538 alleles (0.0005%); highest among the groups gnomAD compares: African/African-American, 0.0053%; no homozygotes.

Submissions (3):

Labcorp Genetics (formerly Invitae), Labcorp
Classification: Benign for Distal myopathy with posterior leg and anterior hand involvement; Myofibrillar myopathy 5; Hypertrophic cardiomyopathy 26. Last evaluated: 2025-11-28. Review status: criteria provided, single submitter. Criteria: Invitae Variant Classification Sherloc (09022015). Collection method: clinical testing. Allele origin: germline.

CeGaT Center for Human Genetics Tuebingen
Classification: Likely benign. Last evaluated: 2024-06-01. Review status: criteria provided, single submitter. Criteria: CeGaT Center For Human Genetics Tuebingen Variant Classification Criteria Version 2. Collection method: clinical testing. Allele origin: germline. Affected: yes. Observed: 1 variant allele.
Comment: FLNC: BP4, BP7

Ambry Genetics
Classification: Likely benign for Cardiovascular phenotype. Last evaluated: 2020-04-04. Review status: criteria provided, single submitter. Criteria: Ambry Variant Classification Scheme 2023. Collection method: clinical testing. Allele origin: germline.